The following is an entry in ClinVar:

ClinVar aggregate classification (germline): Uncertain significance (1 of 4 stars; one submission).

Conditions:
Hereditary cancer-predisposing syndrome. Also called: Neoplastic Syndromes, Hereditary; Tumor predisposition; Hereditary neoplastic syndrome; Hereditary Cancer Syndrome. Identifiers: Orphanet 140162, MedGen C0027672, MeSH D009386, MONDO:0015356.

Submission:

Ambry Genetics
Classification: Uncertain significance for Hereditary cancer-predisposing syndrome. Last evaluated: 2024-02-18. Review status: criteria provided, single submitter. Criteria: Ambry Variant Classification Scheme 2023. Collection method: clinical testing. Allele origin: germline.
Comment: The p.A548G variant (also known as c.1643C>G), located in coding exon 15 of the NF2 gene, results from a C to G substitution at nucleotide position 1643. The alanine at codon 548 is replaced by glycine, an amino acid with similar properties. This amino acid position is conserved. In addition, this alteration is predicted to be tolerated by in silico analysis. Based on the available evidence, the clinical significance of this alteration remains unclear.

NM_000268.4(NF2):c.1643C>G (p.Ala548Gly)

Gene: NF2 (NF2, moesin-ezrin-radixin like (MERLIN) tumor suppressor; plus strand). Cytogenetic location: 22q12.2.
Variant type: single nucleotide variant.
Coding change: c.1643C>G on transcript NM_000268.4 (MANE Select); coding-DNA position 1643, C replaced by G.
Protein change: p.Ala548Gly; replaces alanine 548 with glycine.
Molecular consequence: missense variant. On other transcripts: intron variant (3).
Genome position (GRCh38, 1-based): chr22:29,681,507, C>G. VCF-style: chr22-29681507-C-G. GRCh37 (hg19) VCF-style: chr22-30077496-C-G.
Other names: c.1529C>G, p.Ala510Gly (NM_001407053.1, NM_001407056.1); c.1520C>G, p.Ala507Gly (NM_001407054.1, NM_001407058.1, NM_181829.3); c.1517C>G, p.Ala506Gly (NM_001407055.1, NM_181828.3); c.1508C>G, p.Ala503Gly (NM_001407057.1, NM_001407059.1); c.1385C>G, p.Ala462Gly (NM_001407062.1); c.1394C>G, p.Ala465Gly (NM_001407063.1, NM_181830.3, NM_181831.3); c.1109C>G, p.Ala370Gly (NM_001407065.1); c.1643C>G, p.Ala548Gly (NM_001407066.1, NM_016418.5, NM_181825.3 and 1 more transcripts); and 4 more; short protein forms A370G, A462G, A465G, A471G, A503G, A506G, A507G, A510G.
Identifiers: ClinVar variation 3231084 (VCV003231084.1), dbSNP rs2518734970, ClinGen allele CA411150155.